The following is an entry in ClinVar:

NM_003560.4(PLA2G6):c.647T>G (p.Val216Gly)

Gene: PLA2G6 (phospholipase A2 group VI; minus strand). Cytogenetic location: 22q13.1.
Variant type: single nucleotide variant.
Coding change: c.647T>G on transcript NM_003560.4 (MANE Select); coding-DNA position 647, T replaced by G.
Protein change: p.Val216Gly; replaces valine 216 with glycine.
Molecular consequence: missense variant. On other transcripts: intron variant (1).
Genome position (GRCh38, 1-based): chr22:38,140,132, A>C on the plus strand (T>G on the coding strand, the complement: PLA2G6 is on the minus strand). VCF-style: chr22-38140132-A-C. GRCh37 (hg19) VCF-style: chr22-38536139-A-C.
Other names: c.647T>G, p.Val216Gly (NM_001004426.3, NM_001199562.3, NM_001349864.2 and 2 more transcripts); c.113T>G, p.Val38Gly (NM_001349867.2, NM_001349869.2); c.119+2973T>G (NM_001349868.2); short protein forms V216G, V38G.
Identifiers: ClinVar variation 2185013 (VCV002185013.4), dbSNP rs1602161797, ClinGen allele CA411531538.

ClinVar aggregate classification (germline): Uncertain significance (1 of 4 stars; one submission).

Conditions:
Infantile neuroaxonal dystrophy (NBIA2A). Also called: NEURODEGENERATION WITH BRAIN IRON ACCUMULATION 2A; SEITELBERGER DISEASE; Infantile neuroaxonal dystrophy 1. Identifiers: Orphanet 35069, MedGen C0270724, MONDO:0024457, OMIM 256600.

Allele frequency attached by ClinVar (database versions not stated): gnomAD exomes below 0.00001.
gnomAD v4.1: 4 of 1,613,988 alleles (0.00025%); highest among the groups gnomAD compares: Non-Finnish European, 0.00017%; no homozygotes.

Submission:

Labcorp Genetics (formerly Invitae), Labcorp
Classification: Uncertain significance for Infantile neuroaxonal dystrophy. Last evaluated: 2022-06-30. Review status: criteria provided, single submitter. Criteria: Invitae Variant Classification Sherloc (09022015). Collection method: clinical testing. Allele origin: germline.
Comment: In summary, the available evidence is currently insufficient to determine the role of this variant in disease. Therefore, it has been classified as a Variant of Uncertain Significance. Advanced modeling of protein sequence and biophysical properties (such as structural, functional, and spatial information, amino acid conservation, physicochemical variation, residue mobility, and thermodynamic stability) performed at Invitae indicates that this missense variant is not expected to disrupt PLA2G6 protein function. This variant has not been reported in the literature in individuals affected with PLA2G6-related conditions. This variant is not present in population databases (gnomAD no frequency). This sequence change replaces valine, which is neutral and non-polar, with glycine, which is neutral and non-polar, at codon 216 of the PLA2G6 protein (p.Val216Gly).